The following is an entry in ClinVar:

NM_000038.6(APC):c.3337A>G (p.Asn1113Asp)

Gene: APC (APC regulator of Wnt signaling pathway; plus strand). Cytogenetic location: 5q22.2.
Variant type: single nucleotide variant.
Coding change: c.3337A>G on transcript NM_000038.6 (MANE Select); coding-DNA position 3337, A replaced by G.
Protein change: p.Asn1113Asp; replaces asparagine 1113 with aspartic acid.
Molecular consequence: missense variant.
Genome position (GRCh38, 1-based): chr5:112,838,931, A>G. VCF-style: chr5-112838931-A-G. GRCh37 (hg19) VCF-style: chr5-112174628-A-G.
Other names: c.3337A>G, p.Asn1113Asp (NM_001127510.3, NM_001354895.2, NM_001407450.1); c.3283A>G, p.Asn1095Asp (NM_001127511.3); c.3391A>G, p.Asn1131Asp (NM_001354896.2, NM_001407447.1, NM_001407448.1 and 1 more transcripts); c.3367A>G, p.Asn1123Asp (NM_001354897.2); c.3262A>G, p.Asn1088Asp (NM_001354898.2); c.3253A>G, p.Asn1085Asp (NM_001354899.2); c.3214A>G, p.Asn1072Asp (NM_001354900.2); c.3160A>G, p.Asn1054Asp (NM_001354901.2, NM_001407453.1); and 12 more; short protein forms N1030D, N1088D, N1106D, N1113D, N1141D, N984D, N1012D, N1085D.
Identifiers: ClinVar variation 2011308 (VCV002011308.5), dbSNP rs2149889840, ClinGen allele CA16028649.
Genomic context (GRCh38, chr5:112,838,931, plus strand): 5'-TTTGGACAGCAGGAATGTGTTTCTCCATACAGGTCACGGGGAGCCAATGGTTCAGAAACA[A>G]ATCGAGTGGGTTCTAATCATGGAATTAATCAAAATGTAAGCCAGTCTTTGTGTCAAGAAG-3'
Protein context (NP_000029.2, residues 1103-1123): RSRGANGSET[Asn1113Asp]RVGSNHGINQ

ClinVar aggregate classification (germline): Uncertain significance. Review status: criteria provided, multiple submitters, no conflicts (2 of 4 stars). 2 submissions from 2 submitters: Uncertain significance (2). Last evaluated 2023-12-07.

Conditions:
Familial adenomatous polyposis 1 (FAP1). Also called: FAMILIAL ADENOMATOUS POLYPOSIS 1, ATTENUATED; POLYPOSIS, ADENOMATOUS INTESTINAL. Identifiers: MedGen C2713442, MONDO:0021056, OMIM 175100. Disease mechanism: loss of function.

Submissions (2):

GeneDx
Classification: Uncertain significance. Last evaluated: 2023-12-07. Review status: criteria provided, single submitter. Criteria: GeneDx Variant Classification Process June 2021. Collection method: clinical testing. Allele origin: germline. Affected: yes.
Comment: Not observed at significant frequency in large population cohorts (gnomAD); In silico analysis supports that this missense variant does not alter protein structure/function; Has not been previously published as pathogenic or benign to our knowledge; This variant is associated with the following publications: (PMID: 18199528)

Labcorp Genetics (formerly Invitae), Labcorp
Classification: Uncertain significance for Familial adenomatous polyposis 1. Last evaluated: 2023-03-14. Review status: criteria provided, single submitter. Criteria: Invitae Variant Classification Sherloc (09022015). Collection method: clinical testing. Allele origin: germline.
Comment: Advanced modeling of protein sequence and biophysical properties (such as structural, functional, and spatial information, amino acid conservation, physicochemical variation, residue mobility, and thermodynamic stability) performed at Invitae indicates that this missense variant is not expected to disrupt APC protein function. In summary, the available evidence is currently insufficient to determine the role of this variant in disease. Therefore, it has been classified as a Variant of Uncertain Significance. ClinVar contains an entry for this variant (Variation ID: 2011308). This variant has not been reported in the literature in individuals affected with APC-related conditions. This variant is not present in population databases (gnomAD no frequency). This sequence change replaces asparagine, which is neutral and polar, with aspartic acid, which is acidic and polar, at codon 1113 of the APC protein (p.Asn1113Asp).